The following is an entry in ClinVar:

NM_000083.3(CLCN1):c.1484G>A (p.Gly495Glu)

Gene: CLCN1 (chloride voltage-gated channel 1; plus strand). Cytogenetic location: 7q34.
Variant type: single nucleotide variant.
Coding change: c.1484G>A on transcript NM_000083.3 (MANE Select); coding-DNA position 1484, G replaced by A.
Protein change: p.Gly495Glu; replaces glycine 495 with glutamic acid.
Molecular consequence: missense variant. On other transcripts: non-coding transcript variant (1).
Genome position (GRCh38, 1-based): chr7:143,339,523, G>A. VCF-style: chr7-143339523-G-A. GRCh37 (hg19) VCF-style: chr7-143036616-G-A.
Other names: short protein forms G495E.
Identifiers: ClinVar variation 2939960 (VCV002939960.3), dbSNP rs1255229981, ClinGen allele CA369645564.

ClinVar aggregate classification (germline): Likely pathogenic (1 of 4 stars; one submission).

Conditions:
Congenital myotonia, autosomal dominant form (THD). Also called: THOMSEN DISEASE; Myotonia congenita autosomal dominant. Identifiers: Orphanet 614, MedGen C2936781, MONDO:0008055, OMIM 160800.
Congenital myotonia, autosomal recessive form. Also called: BECKER DISEASE; Becker Generalized Myotonia; myotonia congenita, autosomal recessive. Identifiers: Orphanet 614, MedGen C0751360, MONDO:0009715, OMIM 255700.

Allele frequency attached by ClinVar (database versions not stated): TOPMed below 0.00001.

Submission:

Labcorp Genetics (formerly Invitae), Labcorp
Classification: Likely pathogenic for Congenital myotonia, autosomal recessive form; Congenital myotonia, autosomal dominant form. Last evaluated: 2023-11-07. Review status: criteria provided, single submitter. Criteria: Invitae Variant Classification Sherloc (09022015). Collection method: clinical testing. Allele origin: germline.
Comment: This sequence change replaces glycine, which is neutral and non-polar, with glutamic acid, which is acidic and polar, at codon 495 of the CLCN1 protein (p.Gly495Glu). This variant is not present in population databases (gnomAD no frequency). This missense change has been observed in individual(s) with myotonia congenita (Invitae). In at least one individual the data is consistent with being in trans (on the opposite chromosome) from a pathogenic variant. Advanced modeling of protein sequence and biophysical properties (such as structural, functional, and spatial information, amino acid conservation, physicochemical variation, residue mobility, and thermodynamic stability) performed at Invitae indicates that this missense variant is expected to disrupt CLCN1 protein function with a positive predictive value of 95%. In summary, the currently available evidence indicates that the variant is pathogenic, but additional data are needed to prove that conclusively. Therefore, this variant has been classified as Likely Pathogenic.